The following is an entry in ClinVar:

ClinVar aggregate classification (germline): Likely benign (1 of 4 stars; one submission).

Conditions:
SMO-related disorder. Also called: SMO-related condition.

Submission:

PreventionGenetics, part of Exact Sciences
Classification: Likely benign for SMO-related condition. Last evaluated: 2026-01-02. Review status: criteria provided, single submitter. Criteria: ACMG Guidelines, 2015. Collection method: clinical testing. Allele origin: germline.
Comment: This variant is classified as likely benign based on ACMG/AMP sequence variant interpretation guidelines (Richards et al. 2015 PMID: 25741868, with internal and published modifications).

NM_005631.5(SMO):c.49CTG[9] (p.Leu23_Gly24insLeuLeu)

Genes: SMO (smoothened, frizzled class receptor; plus strand), LOC129999303 (ATAC-STARR-seq lymphoblastoid silent region 18626; plus strand). Cytogenetic location: 7q32.1.
Variant type: Microsatellite.
Coding change: c.49CTG[9] on transcript NM_005631.5 (MANE Select); nine copies in a row of the 3-base unit CTG starting at c.49; the reference has seven copies in a row; two copies, 6 bases duplicated.
Protein change: p.Leu23_Gly24insLeuLeu.
Molecular consequence: inframe insertion.
Genome position (GRCh38, 1-based): chr7:129,189,215-129,189,220, CTGCTG duplicated; duplicating any 6 consecutive bases within chr7:129,189,199-129,189,220 gives the same sequence; the position shown is the placement nearest the transcript's 3' end. VCF-style (leftmost placement, unchanged base first): chr7-129189198-G-GGCTGCT. GRCh37 (hg19) VCF-style: chr7-128829039-G-GGCTGCT.
Identifiers: ClinVar variation 4981113 (VCV004981113.1).